The following is an entry in ClinVar:

NM_001356.5(DDX3X):c.1535A>C (p.His512Pro)

Gene: DDX3X (DEAD-box helicase 3 X-linked; plus strand). Cytogenetic location: Xp11.4.
Variant type: single nucleotide variant.
Coding change: c.1535A>C on transcript NM_001356.5 (MANE Select); coding-DNA position 1535, A replaced by C.
Protein change: p.His512Pro; replaces histidine 512 with proline.
Molecular consequence: missense variant. On other transcripts: non-coding transcript variant (1).
Genome position (GRCh38, 1-based): chrX:41,346,542, A>C. VCF-style: chrX-41346542-A-C. GRCh37 (hg19) VCF-style: chrX-41205795-A-C.
Other names: c.1535A>C, p.His512Pro (NM_001193416.3); c.1487A>C, p.His496Pro (NM_001193417.3); c.977A>C, p.His326Pro (NM_001363819.1); short protein forms H326P, H496P, H512P.
Identifiers: ClinVar variation 3372726 (VCV003372726.1).

ClinVar aggregate classification (germline): Uncertain significance (1 of 4 stars; one submission).

Submission:

GeneDx
Classification: Uncertain significance. Last evaluated: 2024-04-17. Review status: criteria provided, single submitter. Criteria: GeneDx Variant Classification Process June 2021. Collection method: clinical testing. Allele origin: germline. Affected: yes.
Comment: Not observed at significant frequency in large population cohorts (gnomAD); In silico analysis supports that this missense variant has a deleterious effect on protein structure/function; Has not been previously published as pathogenic or benign to our knowledge